The following is an entry in ClinVar:

ClinVar aggregate classification (germline): Uncertain significance (1 of 4 stars; one submission).

Submission:

Labcorp Genetics (formerly Invitae), Labcorp
Classification: Uncertain significance. Last evaluated: 2022-02-12. Review status: criteria provided, single submitter. Criteria: Invitae Variant Classification Sherloc (09022015). Collection method: clinical testing. Allele origin: germline.
Comment: In summary, the available evidence is currently insufficient to determine the role of this variant in disease. Therefore, it has been classified as a Variant of Uncertain Significance. Algorithms developed to predict the effect of missense changes on protein structure and function are either unavailable or do not agree on the potential impact of this missense change (SIFT: "Deleterious"; PolyPhen-2: "Probably Damaging"; Align-GVGD: "Class C15"). This variant has not been reported in the literature in individuals affected with TSPAN12-related conditions. This variant is not present in population databases (gnomAD no frequency). This sequence change replaces cysteine, which is neutral and slightly polar, with tryptophan, which is neutral and slightly polar, at codon 105 of the TSPAN12 protein (p.Cys105Trp).

NM_012338.4(TSPAN12):c.315T>G (p.Cys105Trp)

Gene: TSPAN12 (tetraspanin 12; minus strand). Cytogenetic location: 7q31.31.
Variant type: single nucleotide variant.
Coding change: c.315T>G on transcript NM_012338.4 (MANE Select); coding-DNA position 315, T replaced by G.
Protein change: p.Cys105Trp; replaces cysteine 105 with tryptophan.
Molecular consequence: missense variant.
Genome position (GRCh38, 1-based): chr7:120,815,774, A>C on the plus strand (T>G on the coding strand, the complement: TSPAN12 is on the minus strand). VCF-style: chr7-120815774-A-C. GRCh37 (hg19) VCF-style: chr7-120455828-A-C.
Other names: short protein forms C105W.
Identifiers: ClinVar variation 2097284 (VCV002097284.4), dbSNP rs1365730885, ClinGen allele CA369138921.